The following is an entry in ClinVar:

NM_006978.3(RNF113A):c.709G>C (p.Asp237His)

Gene: RNF113A (ring finger protein 113A; minus strand). Cytogenetic location: Xq24.
Variant type: single nucleotide variant.
Coding change: c.709G>C on transcript NM_006978.3 (MANE Select); coding-DNA position 709, G replaced by C.
Protein change: p.Asp237His; replaces aspartic acid 237 with histidine.
Molecular consequence: missense variant.
Genome position (GRCh38, 1-based): chrX:119,870,905, C>G on the plus strand (G>C on the coding strand, the complement: RNF113A is on the minus strand). VCF-style: chrX-119870905-C-G. GRCh37 (hg19) VCF-style: chrX-119004868-C-G.
Other names: short protein forms D237H.
Identifiers: ClinVar variation 3623698 (VCV003623698.2).
Genomic context (GRCh38, chrX:119,870,905, plus strand): 5'-CCTCATCATCGCTTCCCACTTCATAGTTTTCATCCTCATAGACACCATAGCGACCCTCAT[C>G]AAGCTCACGTTCGATCTGCCACCCATGCTTGTAATCTGAACGGTCATGGAGGAATTTGCA-3'
Protein context (NP_008909.1, residues 227-247): KHGWQIEREL[Asp237His]EGRYGVYEDE

ClinVar aggregate classification (germline): Uncertain significance (1 of 4 stars; one submission).

gnomAD v4.1: 5 of 1,209,524 alleles (0.00041%); highest among the groups gnomAD compares: Non-Finnish European, 0.00056%; no homozygotes.

Submission:

Labcorp Genetics (formerly Invitae), Labcorp
Classification: Uncertain significance. Last evaluated: 2025-11-24. Review status: criteria provided, single submitter. Criteria: Invitae Variant Classification Sherloc (09022015). Collection method: clinical testing. Allele origin: germline.
Comment: This sequence change replaces aspartic acid, which is acidic and polar, with histidine, which is basic and polar, at codon 237 of the RNF113A protein (p.Asp237His). This variant is present in population databases (rs765959511, gnomAD 0.001%). This variant has not been reported in the literature in individuals affected with RNF113A-related conditions. ClinVar contains an entry for this variant (Variation ID: 3623698). Invitae Evidence Modeling of protein sequence and biophysical properties (such as structural, functional, and spatial information, amino acid conservation, physicochemical variation, residue mobility, and thermodynamic stability) has been performed for this missense variant. However, the output from this modeling did not meet the statistical confidence thresholds required to predict the impact of this variant on RNF113A protein function. In summary, the available evidence is currently insufficient to determine the role of this variant in disease. Therefore, it has been classified as a Variant of Uncertain Significance.